The following is an entry in ClinVar:

NM_031220.4(PITPNM3):c.1826C>T (p.Ala609Val)

Gene: PITPNM3 (PITPNM family member 3; minus strand). Cytogenetic location: 17p13.2.
Variant type: single nucleotide variant.
Coding change: c.1826C>T on transcript NM_031220.4 (MANE Select); coding-DNA position 1826, C replaced by T.
Protein change: p.Ala609Val; replaces alanine 609 with valine.
Molecular consequence: missense variant.
Genome position (GRCh38, 1-based): chr17:6,468,289, G>A on the plus strand (C>T on the coding strand, the complement: PITPNM3 is on the minus strand). VCF-style: chr17-6468289-G-A. GRCh37 (hg19) VCF-style: chr17-6371609-G-A.
Other names: c.1718C>T, p.Ala573Val (NM_001165966.2); short protein forms A573V, A609V.
Identifiers: ClinVar variation 1366085 (VCV001366085.8), dbSNP rs2150721948, ClinGen allele CA397404339.

ClinVar aggregate classification (germline): Uncertain significance (1 of 4 stars; one submission).

Submission:

Labcorp Genetics (formerly Invitae), Labcorp
Classification: Uncertain significance. Last evaluated: 2021-05-05. Review status: criteria provided, single submitter. Criteria: Invitae Variant Classification Sherloc (09022015). Collection method: clinical testing. Allele origin: germline.
Comment: In summary, the available evidence is currently insufficient to determine the role of this variant in disease. Therefore, it has been classified as a Variant of Uncertain Significance. This sequence change replaces alanine with valine at codon 609 of the PITPNM3 protein (p.Ala609Val). The alanine residue is moderately conserved and there is a small physicochemical difference between alanine and valine. This variant is not present in population databases (ExAC no frequency). This variant has not been reported in the literature in individuals with PITPNM3-related conditions. Algorithms developed to predict the effect of missense changes on protein structure and function (SIFT, PolyPhen-2, Align-GVGD) all suggest that this variant is likely to be tolerated, but these predictions have not been confirmed by published functional studies and their clinical significance is uncertain.